The following is an entry in ClinVar:

NM_020436.5(SALL4):c.250A>G (p.Ile84Val)

Gene: SALL4 (spalt like transcription factor 4; minus strand). Cytogenetic location: 20q13.2.
Variant type: single nucleotide variant.
Coding change: c.250A>G on transcript NM_020436.5 (MANE Select); coding-DNA position 250, A replaced by G.
Protein change: p.Ile84Val; replaces isoleucine 84 with valine.
Molecular consequence: missense variant.
Genome position (GRCh38, 1-based): chr20:51,792,233, T>C on the plus strand (A>G on the coding strand, the complement: SALL4 is on the minus strand). VCF-style: chr20-51792233-T-C. GRCh37 (hg19) VCF-style: chr20-50408772-T-C.
Other names: c.250A>G (LRG_675t1); c.250A>G, p.Ile84Val (NM_001318031.2); short protein forms I84V.
Identifiers: ClinVar variation 655640 (VCV000655640.8), dbSNP rs1601172072, ClinGen allele CA409017848.

ClinVar aggregate classification (germline): Uncertain significance (1 of 4 stars; one submission).

Conditions:
Duane-radial ray syndrome (DRRS). Also called: ACRORENOOCULAR SYNDROME; DR SYNDROME; DUANE ANOMALY WITH RADIAL RAY ABNORMALITIES AND DEAFNESS; Duane-Radial Ray Syndrome/Okihiro Syndrome; Duane-Radial Ray Syndrome (DRRS) / Okihiro Syndrome; Okihiro Syndrome. Identifiers: Orphanet 93293, Orphanet 959, MedGen C1623209, MONDO:0011812, OMIM 607323. Disease mechanism: gain of function.

Submission:

Labcorp Genetics (formerly Invitae), Labcorp
Classification: Uncertain significance for Duane-radial ray syndrome. Last evaluated: 2018-12-04. Review status: criteria provided, single submitter. Criteria: Invitae Variant Classification Sherloc (09022015). Collection method: clinical testing. Allele origin: germline.
Comment: In summary, the available evidence is currently insufficient to determine the role of this variant in disease. Therefore, it has been classified as a Variant of Uncertain Significance. Algorithms developed to predict the effect of missense changes on protein structure and function output the following: SIFT: "Tolerated"; PolyPhen-2: "Benign"; Align-GVGD: "Class C0". The valine amino acid residue is found in multiple mammalian species, suggesting that this missense change does not adversely affect protein function. These predictions have not been confirmed by published functional studies and their clinical significance is uncertain. This variant has not been reported in the literature in individuals with SALL4-related disease. This variant is not present in population databases (ExAC no frequency). This sequence change replaces isoleucine with valine at codon 84 of the SALL4 protein (p.Ile84Val). The isoleucine residue is weakly conserved and there is a small physicochemical difference between isoleucine and valine.